The following is an entry in ClinVar:

NM_000219.6(KCNE1):c.70G>A (p.Gly24Ser)

Gene: KCNE1 (potassium voltage-gated channel subfamily E regulatory subunit 1; minus strand). Cytogenetic location: 21q22.12.
Variant type: single nucleotide variant.
Coding change: c.70G>A on transcript NM_000219.6 (MANE Select); coding-DNA position 70, G replaced by A.
Protein change: p.Gly24Ser; replaces glycine 24 with serine.
Molecular consequence: missense variant.
Genome position (GRCh38, 1-based): chr21:34,449,565, C>T on the plus strand (G>A on the coding strand, the complement: KCNE1 is on the minus strand). VCF-style: chr21-34449565-C-T. GRCh37 (hg19) VCF-style: chr21-35821863-C-T.
Other names: c.70G>A, p.Gly24Ser (NM_001127668.4, NM_001127669.4, NM_001127670.4 and 4 more transcripts); short protein forms G24S.
Identifiers: ClinVar variation 3373965 (VCV003373965.2).

Conditions:
Long QT syndrome 5 (LQT5). Identifiers: Orphanet 101016, Orphanet 768, MedGen C1867904, MONDO:0013372, OMIM 613695.

Submission:

Roden Lab, Vanderbilt University Medical Center
No classification provided (evidence only). Condition: Long QT syndrome 5. Review status: no classification provided. Collection method: in vitro. Allele origin: not applicable. Functional consequence: Effect on ion channel function.
ClinVar note: "not provided" was previously submitted as the classification for the variant. However, the classification appeared to be based only on an observation of functional data so it was converted to no classification on 2025-07-30.